The following is an entry in ClinVar:

ClinVar aggregate classification (germline): Uncertain significance. Review status: criteria provided, multiple submitters, no conflicts (2 of 4 stars). 2 submissions from 2 submitters: Uncertain significance (2). Last evaluated 2026-07-07.

Conditions:
Hereditary cancer-predisposing syndrome. Also called: Tumor predisposition; Hereditary neoplastic syndrome; Hereditary Cancer Syndrome; Neoplastic Syndromes, Hereditary. Identifiers: Orphanet 140162, MedGen C0027672, MeSH D009386, MONDO:0015356.

Submissions (2):

Ambry Genetics
Classification: Uncertain significance for Hereditary cancer-predisposing syndrome. Last evaluated: 2026-07-07. Review status: criteria provided, single submitter. Criteria: Ambry Variant Classification Scheme 2023. Collection method: clinical testing. Allele origin: germline.
Comment: The p.E134D variant (also known as c.402G>T), located in coding exon 3 of the RET gene, results from a G to T substitution at nucleotide position 402. The glutamic acid at codon 134 is replaced by aspartic acid, an amino acid with highly similar properties. This amino acid position is conserved. In addition, this alteration is predicted to be tolerated by in silico analysis. Based on the available evidence, the clinical significance of this variant remains unclear.

GeneDx
Classification: Uncertain significance. Last evaluated: 2024-10-07. Review status: criteria provided, single submitter. Criteria: GeneDx Variant Classification Process June 2021. Collection method: clinical testing. Allele origin: germline. Affected: yes.
Comment: Not observed at significant frequency in large population cohorts (gnomAD); In silico analysis indicates that this missense variant does not alter protein structure/function; Has not been previously published as pathogenic or benign to our knowledge; This variant is associated with the following publications: (PMID: 14633923)

NM_020975.6(RET):c.402G>T (p.Glu134Asp)

Gene: RET (ret proto-oncogene; plus strand). Cytogenetic location: 10q11.21.
Variant type: single nucleotide variant.
Coding change: c.402G>T on transcript NM_020975.6 (MANE Select); coding-DNA position 402, G replaced by T.
Protein change: p.Glu134Asp; replaces glutamic acid 134 with aspartic acid.
Molecular consequence: missense variant. On other transcripts: intron variant (22).
Genome position (GRCh38, 1-based): chr10:43,102,406, G>T. VCF-style: chr10-43102406-G-T. GRCh37 (hg19) VCF-style: chr10-43597854-G-T.
Other names: c.402G>T, p.Glu134Asp (NM_001406743.1, NM_001406744.1, NM_001406759.1 and 14 more transcripts); c.338-65G>T (NM_001406764.1, NM_001406762.1, NM_001406761.1 and 4 more transcripts); c.337+1684G>T (NM_001406770.1, NM_001406766.1, NM_001406767.1 and 8 more transcripts); c.74-6625G>T (NM_001406784.1); c.74-9693G>T (NM_001406794.1, NM_001406792.1, NM_001406793.1); short protein forms E134D.
Identifiers: ClinVar variation 3776740 (VCV003776740.2).
Genomic context (GRCh38, chr10:43,102,406, plus strand): 5'-CGGCTTTCCCCTGCTCACCGTCTACCTCAAGGTCTTCCTGTCACCCACATCCCTTCGTGA[G>T]GGCGAGTGCCAGTGGCCAGGCTGTGCCCGCGTATACTTCTCCTTCTTCAACACCTCCTTT-3'
Protein context (NP_066124.1, residues 124-144): KVFLSPTSLR[Glu134Asp]GECQWPGCAR